The following is an entry in ClinVar:

NM_001267550.2(TTN):c.46630C>T (p.Arg15544Cys)

Genes: TTN (titin; minus strand), TTN-AS1 (TTN antisense RNA 1; plus strand). Cytogenetic location: 2q31.2.
Variant type: single nucleotide variant.
Coding change: c.46630C>T on transcript NM_001267550.2 (MANE Select); coding-DNA position 46630, C replaced by T.
Protein change: p.Arg15544Cys; replaces arginine 15544 with cysteine.
Molecular consequence: missense variant.
Genome position (GRCh38, 1-based): chr2:178,619,687, G>A on the plus strand (C>T on the coding strand, the complement: TTN is on the minus strand). VCF-style: chr2-178619687-G-A. GRCh37 (hg19) VCF-style: chr2-179484414-G-A.
Other names: c.41707C>T, p.Arg13903Cys (NM_001256850.1); c.19435C>T, p.Arg6479Cys (NM_003319.4); c.38926C>T, p.Arg12976Cys (NM_133378.4); c.19810C>T, p.Arg6604Cys (NM_133432.3); c.20011C>T, p.Arg6671Cys (NM_133437.4); short protein forms R15544C, R13903C, R6604C, R6671C, R12976C, R6479C.
Identifiers: ClinVar variation 3892780 (VCV003892780.2).

ClinVar aggregate classification (germline): Uncertain significance. Review status: criteria provided, multiple submitters, no conflicts (2 of 4 stars). 2 submissions from 2 submitters: Uncertain significance (2). Last evaluated 2025-12-22.

Conditions:
Hypertrophic cardiomyopathy 9. Also called: Familial hypertrophic cardiomyopathy 9. Identifiers: MedGen C1861065, MONDO:0013412, OMIM 613765.
Tibial muscular dystrophy (TMD). Also called: UDD MYOPATHY; Tibial muscular dystrophy, tardive; Udd Distal Myopathy – Tibial Muscular Dystrophy. Identifiers: Orphanet 609, MedGen C1838244, MONDO:0010870, OMIM 600334.
Autosomal recessive limb-girdle muscular dystrophy type 2J (LGMDR10). Also called: Limb-girdle muscular dystrophy, type 2J; MUSCULAR DYSTROPHY, LIMB-GIRDLE, AUTOSOMAL RECESSIVE 10. Identifiers: Orphanet 140922, MedGen C1837342, MONDO:0012127, OMIM 608807.
Early-onset myopathy with fatal cardiomyopathy (CMYO5). Also called: Salih Myopathy; CONGENITAL MYOPATHY 5 WITH CARDIOMYOPATHY. Identifiers: Orphanet 289377, MedGen C2673677, MONDO:0012714, OMIM 611705. Disease mechanism: loss of function.
Myopathy, myofibrillar, 9, with early respiratory failure (MFM9). Also called: Hereditary myopathy with early respiratory failure; EDSTROM MYOPATHY; MYOPATHY, PROXIMAL, WITH EARLY RESPIRATORY MUSCLE INVOLVEMENT; Myopathy, distal, with early respiratory failure, autosomal dominant. Identifiers: Orphanet 178464, Orphanet 34521, MedGen C1863599, MONDO:0011362, OMIM 603689.
Dilated cardiomyopathy 1G (CMD1G). Identifiers: Orphanet 154, MedGen C1858763, MONDO:0011400, OMIM 604145.

gnomAD v4.1: 20 of 1,612,102 alleles (0.0012%); highest among the groups gnomAD compares: South Asian, 0.0088%; no homozygotes.

Submissions (2):

Clinical Genomics Laboratory, Washington University in St. Louis
Classification: Uncertain significance for Dilated cardiomyopathy 1G; Hypertrophic cardiomyopathy 9. Last evaluated: 2025-12-22. Review status: criteria provided, single submitter. Criteria: ACMG Guidelines, 2015. Collection method: clinical testing. Allele origin: germline.
Comment: A TTN c.46630C>T (p.Arg15544Cys) variant was identified in a heterozygous state. This variant, to our knowledge, has not been reported in the medical literature. It has been reported in the ClinVar database as a germline variant of uncertain significance by one submitter (Variation ID: 3892780). It is observed on 11/247,914 alleles in the general population (gnomAD v2.1.1). Computational predictors are uncertain as to the impact of this variant on TTN function. This variant is present in the N2BA/N2B cardiac long isoform. This is a missense variant located in the I-Band that provides elastic properties and affect gene expression and cardiac remodeling in DCM. This exon has a high percentage/proportion spliced-in (PSI > 0.9), meaning it is a highly expressed exon incorporated into either the N2B or N2BA isoforms (Vatta M et al., PMID: 39968638). Due to limited information, and based on ACMG/AMP guidelines for variant interpretation (Richards S et al., PMID: 25741868), the clinical significance of this variant is uncertain at this time.

Department of Pathology and Laboratory Medicine, Sinai Health System
Classification: Uncertain significance for Tibial muscular dystrophy; Myopathy, myofibrillar, 9, with early respiratory failure; Dilated cardiomyopathy 1G; Autosomal recessive limb-girdle muscular dystrophy type 2J; Early-onset myopathy with fatal cardiomyopathy; Hypertrophic cardiomyopathy 9. Last evaluated: 2022-11-27. Review status: criteria provided, single submitter. Criteria: ACMG Guidelines, 2015. Collection method: research. Allele origin: germline.

Literature cited by the submitters: uncertain (cited by Clinical Genomics Laboratory, Washington University in St. Louis).